The following is an entry in ClinVar:

ClinVar aggregate classification (germline): Likely pathogenic. Review status: criteria provided, single submitter (1 of 4 stars). 3 submissions from 3 submitters: Likely pathogenic (1). 2 of the submissions do not count toward it. Last evaluated 2021-02-04.

Conditions:
Mitochondrial disease. Also called: Mitochondrial disorders; Mitochondrial disorder. Identifiers: Orphanet 68380, MedGen C0751651, MeSH D028361, MONDO:0044970.
Combined oxidative phosphorylation deficiency 59 (COXPD59). Identifiers: MedGen C5882730, MONDO:0957992, OMIM 620646.

Submissions (3):

Illumina Laboratory Services, Illumina
Classification: Likely pathogenic for Mitochondrial disease. Last evaluated: 2021-02-04. Review status: criteria provided, single submitter. Criteria: ICSLVariantClassificationCriteria RUGD 01 April 2020. Collection method: clinical testing. Allele origin: unknown.
Comment: The MRPL39 c.896G>T p.(Gly299Val) variant has been identified in a homozygous state in individuals with a phenotype consistent with primary mitochondrial disease. This variant is not observed in version 2.1.1 of the Genome Aggregation Database. Functional studies) conducted in cell lines derived from patient fibroblasts demonstrated that this variant results in decreased expression of MRPL39 proteins which was corrected using lentiviral-mediated expression of wild-type MRPL39 (PMID: 37133451).Based on the available evidence, the c.896G>T p.(Gly299Val) variant is classified as likely pathogenic for primary mitochondrial disease.

OMIM
Classification: Pathogenic for COMBINED OXIDATIVE PHOSPHORYLATION DEFICIENCY 59. Last evaluated: 2023-12-04. Review status: no assertion criteria provided. Collection method: literature only. Allele origin: germline. Not counted in ClinVar's aggregate classification.

Department of Clinical Genetics, Copenhagen University Hospital, Rigshospitalet
Classification: Likely pathogenic for Mitochondrial disease. Last evaluated: 2022-03-24. Review status: no assertion criteria provided. Collection method: clinical testing. Allele origin: biparental. Inheritance: Autosomal recessive inheritance. Affected: yes. Observed: 1 homozygote. Not counted in ClinVar's aggregate classification.

Literature cited by the submitters: PubMed 37133451 (cited by OMIM).

NM_017446.4(MRPL39):c.896G>T (p.Gly299Val)

Gene: MRPL39 (mitochondrial ribosomal protein L39; minus strand). Cytogenetic location: 21q21.3.
Variant type: single nucleotide variant.
Coding change: c.896G>T on transcript NM_017446.4 (MANE Select); coding-DNA position 896, G replaced by T.
Protein change: p.Gly299Val; replaces glycine 299 with valine.
Molecular consequence: missense variant.
Genome position (GRCh38, 1-based): chr21:25,592,837, C>A on the plus strand (G>T on the coding strand, the complement: MRPL39 is on the minus strand). VCF-style: chr21-25592837-C-A. GRCh37 (hg19) VCF-style: chr21-26965149-C-A.
Other names: c.896G>T, p.Gly299Val (NM_080794.4); short protein forms G299V.
Identifiers: ClinVar variation 1525985 (VCV001525985.6), dbSNP rs1227035820, ClinGen allele CA409801246.